The following is an entry in ClinVar:

NM_024426.6(WT1):c.237G>A (p.Arg79=)

Genes: WT1 (WT1 transcription factor; minus strand), LOC107982234 (WT1/WT1-AS bi-directional promoter region; plus strand). Cytogenetic location: 11p13.
Variant type: single nucleotide variant.
Coding change: c.237G>A on transcript NM_024426.6 (MANE Select); coding-DNA position 237, G replaced by A.
Protein change: p.Arg79=; no amino-acid change (arginine 79 retained).
Molecular consequence: synonymous variant. On other transcripts: non-coding transcript variant (2).
Genome position (GRCh38, 1-based): chr11:32,435,124, C>T on the plus strand (G>A on the coding strand, the complement: WT1 is on the minus strand). VCF-style: chr11-32435124-C-T. GRCh37 (hg19) VCF-style: chr11-32456670-C-T.
Other names: c.237G>A, p.Arg79= (NM_000378.6, NM_001407044.1, NM_001407045.1 and 6 more transcripts); c.222G>A, p.Arg74= (NM_024425.2).
Identifiers: ClinVar variation 2934745 (VCV002934745.4), dbSNP rs1590410776, ClinGen allele CA473774072.
Genomic context (GRCh38, chr11:32,435,124, plus strand): 5'-CAGGGCACAGCCGCCGCCGCCACCCAGGGAGGGGACGGCGGGCAGCAGCGCGTTCAGGTC[C>T]CGCACGTCGGAGCCCATTTGCTGCGGCTCAGACCCGGACGCCCCGCGGCTCCTCCGGCCC-3'
Protein context (NP_077744.4, residues 69-89): SEPQQMGSDV[Arg79=]DLNALLPAVP

ClinVar aggregate classification (germline): Likely benign. Review status: criteria provided, multiple submitters, no conflicts (2 of 4 stars). 2 submissions from 2 submitters: Likely benign (2). Last evaluated 2025-12-24.

Conditions:
Drash syndrome (DDS). Also called: NEPHROPATHY, WILMS TUMOR, AND GENITAL ANOMALIES; WILMS TUMOR AND PSEUDO- OR TRUE HERMAPHRODITISM. Identifiers: Orphanet 220, MedGen C0950121, MONDO:0008682, OMIM 194080.
Wilms tumor 1 (WT1). Also called: Wilms tumor, somatic. Identifiers: Orphanet 654, MedGen CN033288, MONDO:0008679, OMIM 194070.
11p partial monosomy syndrome (WAGR). Also called: WAGR syndrome; WAGR Complex; CHROMOSOME 11p13 DELETION SYNDROME; WAGR Spectrum Disorder. Identifiers: Orphanet 893, MedGen C0206115, MONDO:0008681, OMIM 194072.
Frasier syndrome. Identifiers: Orphanet 347, MedGen C0950122, MeSH D052159, MONDO:0007635, OMIM 136680.

Submissions (2):

Labcorp Genetics (formerly Invitae), Labcorp
Classification: Likely benign for Wilms tumor 1; Drash syndrome; 11p partial monosomy syndrome; Frasier syndrome. Last evaluated: 2025-12-24. Review status: criteria provided, single submitter. Criteria: Invitae Variant Classification Sherloc (09022015). Collection method: clinical testing. Allele origin: germline.

All of Us Research Program, National Institutes of Health
Classification: Likely benign for Wilms tumor 1. Last evaluated: 2023-05-16. Review status: criteria provided, single submitter. Criteria: ACMG Guidelines, 2015. Collection method: clinical testing. Allele origin: germline. Inheritance: Autosomal dominant inheritance. Observed: 1 variant allele, 1 heterozygote.
Comment: This study involves interpretation of variants in research participants for the purpose of population health screening. Participant phenotype was not available at the time of variant classification. Additional details can be found in publication PMID: 35346344, PMCID: PMC8962531